The following is an entry in ClinVar:

NM_001370259.2(MEN1):c.*126C>T

Gene: MEN1 (menin 1; minus strand). Cytogenetic location: 11q13.1.
Variant type: single nucleotide variant.
Coding change: c.*126C>T on transcript NM_001370259.2 (MANE Select); 126 bases downstream of the stop codon, C replaced by T.
Molecular consequence: 3 prime UTR variant.
Genome position (GRCh38, 1-based): chr11:64,804,208, G>A on the plus strand (C>T on the coding strand, the complement: MEN1 is on the minus strand). VCF-style: chr11-64804208-G-A. GRCh37 (hg19) VCF-style: chr11-64571680-G-A.
Other names: c.*126C>T (NM_000244.4, NM_001370251.2, NM_001370260.2 and 9 more transcripts).
Identifiers: ClinVar variation 880309 (VCV000880309.32), dbSNP rs138595686, ClinGen allele CA223911541.

ClinVar aggregate classification (germline): Conflicting classifications of pathogenicity. Review status: criteria provided, conflicting classifications (1 of 4 stars). 4 submissions from 3 submitters: Uncertain significance (1); Benign (3). Last evaluated 2022-08-01.

Conditions:
Multiple endocrine neoplasia, type 1 (MEN1). Also called: MEN I; WERMER SYNDROME; Endocrine adenomatosis multiple; MEN 1; MEA I. Identifiers: Orphanet 652, MedGen C0025267, MeSH D018761, MONDO:0007540, OMIM 131100.
Hyperparathyroidism. Identifiers: MedGen C0020502, MONDO:0001741, HP:0000843.

Allele frequency attached by ClinVar (database versions not stated): TOPMed 0.00143; gnomAD exomes 0.00158; 1000 Genomes Project 0.00180; 1000 Genomes Project 30x 0.00219.

Submissions (4):

CeGaT Center for Human Genetics Tuebingen
Classification: Benign. Last evaluated: 2022-08-01. Review status: criteria provided, single submitter. Criteria: CeGaT Center For Human Genetics Tuebingen Variant Classification Criteria Version 2. Collection method: clinical testing. Allele origin: germline. Affected: yes. Observed: 1 variant allele.
Comment: MEN1: BS1, BS2

Illumina Laboratory Services, Illumina
Classification: Uncertain significance for Hyperparathyroidism. Last evaluated: 2018-01-13. Review status: criteria provided, single submitter. Criteria: ICSL Variant Classification Criteria 13 December 2019. Collection method: clinical testing. Allele origin: germline.

Illumina Laboratory Services, Illumina
Classification: Benign for Multiple endocrine neoplasia, type 1. Last evaluated: 2018-01-13. Review status: criteria provided, single submitter. Criteria: ICSL Variant Classification Criteria 13 December 2019. Collection method: clinical testing. Allele origin: germline.
Comment: This variant was observed in the ICSL laboratory as part of a predisposition screen in an ostensibly healthy population. It had not been previously curated by ICSL or reported in the Human Gene Mutation Database (HGMD: prior to June 1st, 2018), and was therefore a candidate for classification through an automated scoring system. Utilizing variant allele frequency, disease prevalence and penetrance estimates, and inheritance mode, an automated score was calculated to assess if this variant is too frequent to cause the disease. Based on the score and internal cut-off values, a variant classified as benign is not then subjected to further curation. The score for this variant resulted in a classification of benign for this disease.

GeneDx
Classification: Benign. Last evaluated: 2015-03-03. Review status: criteria provided, single submitter. Criteria: GeneDx Variant Classification Process June 2021. Collection method: clinical testing. Allele origin: germline. Affected: yes.